The following is an entry in ClinVar:

ClinVar aggregate classification (germline): Uncertain significance (1 of 4 stars; one submission).

Conditions:
Anterior segment dysgenesis 7 (ASGD7). Also called: SCLEROCORNEA WITH OTHER OCULAR ANOMALIES; Anterior segment dysgenesis 7, with sclerocornea. Identifiers: Orphanet 289499, MedGen C3151617, MONDO:0010015, OMIM 269400.

Submission:

MVZ Medizinische Genetik Mainz
Classification: Uncertain significance for Anterior segment dysgenesis 7. Last evaluated: 2022-03-03. Review status: criteria provided, single submitter. Criteria: UK Practice Guidelines For Variant Classification V4 01 2020. Collection method: clinical testing. Allele origin: germline. Inheritance: Autosomal recessive inheritance. Affected: yes. Observed: 1 variant allele.
Comment: ACMG Criteria: PM2_SUP, PM3_SUP, PP3 (ACMG Version 3)

NM_012293.3(PXDN):c.3659A>G (p.Glu1220Gly)

Gene: PXDN (peroxidasin; minus strand). Cytogenetic location: 2p25.3.
Variant type: single nucleotide variant.
Coding change: c.3659A>G on transcript NM_012293.3 (MANE Select); coding-DNA position 3659, A replaced by G.
Protein change: p.Glu1220Gly; replaces glutamic acid 1220 with glycine.
Molecular consequence: missense variant.
Genome position (GRCh38, 1-based): chr2:1,644,702, T>C on the plus strand (A>G on the coding strand, the complement: PXDN is on the minus strand). VCF-style: chr2-1644702-T-C. GRCh37 (hg19) VCF-style: chr2-1648474-T-C.
Other names: short protein forms E1220G.
Identifiers: ClinVar variation 3234019 (VCV003234019.1), dbSNP rs2546894263, ClinGen allele CA345701600.